The following is an entry in ClinVar:

ClinVar aggregate classification (germline): Uncertain significance (1 of 4 stars; one submission).

Conditions:
Inborn genetic diseases. Identifiers: MedGen C0950123, MeSH D030342.

Submission:

Ambry Genetics
Classification: Uncertain significance for Inborn genetic diseases. Last evaluated: 2021-12-20. Review status: criteria provided, single submitter. Criteria: Ambry Variant Classification Scheme 2023. Collection method: clinical testing. Allele origin: germline.
Comment: The p.F2427Y variant (also known as c.7280T>A), located in coding exon 43 of the ATR gene, results from a T to A substitution at nucleotide position 7280. The phenylalanine at codon 2427 is replaced by tyrosine, an amino acid with highly similar properties. This amino acid position is conserved. In addition, this alteration is predicted to be tolerated by in silico analysis. Since supporting evidence is limited at this time, the clinical significance of this alteration remains unclear.

NM_001184.4(ATR):c.7280T>A (p.Phe2427Tyr)

Gene: ATR (ATR checkpoint kinase; minus strand). Cytogenetic location: 3q23.
Variant type: single nucleotide variant.
Coding change: c.7280T>A on transcript NM_001184.4 (MANE Select); coding-DNA position 7280, T replaced by A.
Protein change: p.Phe2427Tyr; replaces phenylalanine 2427 with tyrosine.
Molecular consequence: missense variant.
Genome position (GRCh38, 1-based): chr3:142,459,296, A>T on the plus strand (T>A on the coding strand, the complement: ATR is on the minus strand). VCF-style: chr3-142459296-A-T. GRCh37 (hg19) VCF-style: chr3-142178138-A-T.
Other names: c.7088T>A, p.Phe2363Tyr (NM_001354579.2); short protein forms F2427Y, F2363Y.
Identifiers: ClinVar variation 1758069 (VCV001758069.2), dbSNP rs2108261635, ClinGen allele CA354797527.